The following is an entry in ClinVar:

ClinVar aggregate classification (germline): Pathogenic. Review status: criteria provided, multiple submitters, no conflicts (2 of 4 stars). 14 submissions from 14 submitters: Pathogenic (11). 3 of the submissions do not count toward it. Last evaluated 2026-01-09.

Conditions:
Hb SS disease (SCD). Also called: Hemoglobin SS; Sickle cell anemia; Sickle cell disease; HbS disease; Hemoglobin S Disease; Sickling disorder due to hemoglobin S. Identifiers: Orphanet 232, Orphanet 275752, MedGen C0002895, MONDO:0011382, OMIM 603903.
Heinz body anemia. Also called: Heinz body hemolytic anemia. Identifiers: Orphanet 178330, MedGen C0700299, MONDO:0007705, OMIM 140700, HP:0005511.
alpha Thalassemia. Also called: Alpha thalassemia spectrum. Identifiers: Orphanet 846, MedGen C0002312, MONDO:0011399, OMIM 604131.
Dominant beta-thalassemia. Also called: Beta-thalassemia, dominant inclusion body type. Identifiers: Orphanet 231226, Orphanet 848, MedGen C1858990, MONDO:0011381, OMIM 603902.
Beta-thalassemia HBB/LCRB. Identifiers: MedGen CN322236, MONDO:0013517, OMIM 613985.
Erythrocytosis, familial, 6. Also called: POLYCYTHEMIA, BETA-GLOBIN TYPE; ERYTHROCYTOSIS, BETA-GLOBIN TYPE. Identifiers: MedGen C4693822, MONDO:0054801, OMIM 617980.
METHEMOGLOBINEMIA, BETA TYPE. Also called: Methemoglobinemia, beta-globin type. Identifiers: MedGen C1840779, OMIM 617971.
Malaria, susceptibility to. Identifiers: Orphanet 673, MedGen C1970028, MONDO:0021024, OMIM 611162.
Hereditary persistence of fetal hemoglobin. Identifiers: MedGen C0019025, MONDO:0020989, OMIM 141749.
HBB-related disorder. Also called: HBB-related disorders; HBB-related condition. Identifiers: MedGen CN239378.
beta Thalassemia (BTHAL). Also called: Cooley's anemia; Erythroblastic anemia; Mediterranean anemia. Identifiers: Orphanet 848, MedGen C0005283, MONDO:0019402. Disease mechanism: loss of function.
Beta zero thalassemia. Identifiers: MedGen C0271980.

Allele frequency attached by ClinVar (database versions not stated): 1000 Genomes Project 30x 0.00016; 1000 Genomes Project 0.00020; TOPMed 0.00010; ExAC 0.00001; gnomAD 0.00003; gnomAD exomes 0.00001.
gnomAD v4.1: 21 of 1,613,914 alleles (0.0013%); highest among the groups gnomAD compares: African/African-American, 0.027%; no homozygotes.

Submissions (15):

PreventionGenetics, part of Exact Sciences
Classification: Pathogenic for HBB-related condition. Last evaluated: 2026-01-09. Review status: criteria provided, single submitter. Criteria: ACMG Guidelines, 2015. Collection method: clinical testing. Allele origin: germline.
Comment: The HBB c.316-2A>G variant is predicted to disrupt the AG splice acceptor site and interfere with normal splicing. This variant is alternatively referred to as IVS2-849(A>G) or IVS-II-849 using legacy nomenclature. This variant has been reported in association with beta thalassemia and is one of the most common pathogenic variants associated with beta thalassemia in individuals of African ancestry (Antonarakis et al. 1984. PubMed ID: 6583702; Langer et al. 2024. PubMed ID: 20301599). This variant is reported in 0.012% of alleles in individuals of African descent in gnomAD. Variants that disrupt the consensus splice acceptor site in HBB are expected to be pathogenic. This variant is interpreted as pathogenic.

Natera, Inc.
Classification: Pathogenic for Beta thalassemia. Last evaluated: 2025-12-30. Review status: criteria provided, single submitter. Criteria: Natera Variant Classification Schema (03/2026). Collection method: clinical testing. Allele origin: germline.
Comment: The c.316-2A>G variant in HBB is a canonical splice acceptor site variant predicted to affect pre-mRNA splicing, which may result in an abnormal transcript and altered protein product. This variant may result in a truncated or dysfunctional protein product. This variant is rare in the general population with a frequency below the threshold expected for the associated phenotype(s). This variant has been observed in one or more individuals affected with the associated recessive disease, as either homozygous or compound heterozygous with a second variant (PMID: 16020116, 2123063). Additionally, this variant has been observed to segregate in affected family members (PMID: 2123063). Given the available evidence, this variant is classified as Pathogenic.

ARUP Laboratories, Molecular Genetics and Genomics, ARUP Laboratories
Classification: Pathogenic. Last evaluated: 2025-07-28. Review status: criteria provided, single submitter. Criteria: ARUP Molecular Germline Variant Investigation Process 2024. Collection method: clinical testing. Allele origin: germline.
Comment: The HBB c.316-2A>G variant (also known as IVS-II-849 (A->G), rs33914668, Hbvar ID: 940) is reported in the literature in both homozygous and compound heterozygous individuals affected with beta(0) thalassemia (Antonarakis 1984, Atweh 1985, HbVar database and references therein). This variant is found on only three chromosomes (3/282432 alleles) in the Genome Aggregation Database, indicating it is not a common polymorphism. This variant abolishes the canonical splice acceptor site of intron 2, which is likely to disrupt gene function. Indeed, RNA analyses of patient cells carrying the c.316-2A>G variant suggest altered splicing and retention of sections of intron 3 in the mature mRNA (Antonarakis 1984, Atweh 1985). Based on available information, this variant is considered to be pathogenic. References: Link to HbVar database: Antonarakis S et al. beta-Thalassemia in American Blacks: novel mutations in the "TATA" box and an acceptor splice site. Proc Natl Acad Sci U S A. 1984; 81(4):1154-8. PMID: 6583702 Atweh G et al. Beta-thalassemia resulting from a single nucleotide substitution in an acceptor splice site. Nucleic Acids Res. 1985; 13(3):777-90. PMID: 2987809

GeneDx
Classification: Pathogenic. Last evaluated: 2024-05-02. Review status: criteria provided, single submitter. Criteria: GeneDx Variant Classification Process June 2021. Collection method: clinical testing. Allele origin: germline. Affected: yes.
Comment: Canonical splice site variant expected to result in aberrant splicing, and published functional studies show this variant causes the production of an alternatively splice transcript which is not able to encode normal beta-globin (PMID: 6583702); This variant is associated with the following publications: (PMID: 21250876, 22563936, 22975760, 9342003, 32172616, 6583702, 1427786, 2123063, 2987809, 30626236, 23348723, 27251090, 26583619, 38293657, 37496383, 33935034, 38007159, 36106931)

Labcorp Genetics (formerly Invitae), Labcorp
Classification: Pathogenic. Last evaluated: 2023-12-18. Review status: criteria provided, single submitter. Criteria: Invitae Variant Classification Sherloc (09022015). Collection method: clinical testing. Allele origin: germline.
Comment: This sequence change affects an acceptor splice site in intron 2 of the HBB gene. RNA analysis indicates that disruption of this splice site induces altered splicing and likely results in the gain of 90 amino acid residue(s), but is expected to preserve the integrity of the reading-frame. This variant is present in population databases (rs33914668, gnomAD 0.01%). Disruption of this splice site has been observed in individuals with autosomal recessive beta-thalassemia (PMID: 2123063, 6583702). It has also been observed to segregate with disease in related individuals. This variant is also known as IVSII-849A>G. ClinVar contains an entry for this variant (Variation ID: 21191). Variants that disrupt the consensus splice site are a relatively common cause of aberrant splicing (PMID: 17576681, 9536098). Studies have shown that disruption of this splice site results in the activation of a cryptic splice site in intron 2 (PMID: 6583702). For these reasons, this variant has been classified as Pathogenic.

Molecular Genetics and NGS Laboratory, Hospital Fundacion Valle Del Lili
Classification: Pathogenic for Malaria, susceptibility to; Hereditary persistence of fetal hemoglobin; Erythrocytosis, familial, 6; Heinz body anemia; METHEMOGLOBINEMIA, BETA TYPE; Hb SS disease; Dominant beta-thalassemia; Beta-thalassemia HBB/LCRB. Last evaluated: 2023-11-07. Review status: criteria provided, single submitter. Criteria: ACMG Guidelines, 2015. Collection method: clinical testing. Allele origin: germline. Affected: yes. Observed: 1 variant allele.

Fulgent Genetics
Classification: Pathogenic for Heinz body anemia; Hereditary persistence of fetal hemoglobin; Dominant beta-thalassemia; Hb SS disease; alpha Thalassemia; Malaria, susceptibility to; Beta-thalassemia HBB/LCRB; METHEMOGLOBINEMIA, BETA TYPE; Erythrocytosis, familial, 6. Last evaluated: 2022-02-25. Review status: criteria provided, single submitter. Criteria: ACMG Guidelines, 2015. Collection method: clinical testing. Allele origin: unknown.

Myriad Genetics, Inc.
Classification: Pathogenic for Beta-thalassemia HBB/LCRB. Last evaluated: 2019-12-09. Review status: criteria provided, single submitter. Criteria: Myriad Women's Health Autosomal Recessive and X-Linked Classification Criteria (2019). Collection method: clinical testing. Allele origin: unknown.
Comment: NM_000518.4(HBB):c.316-2A>G is classified as pathogenic in the context of Hb beta chain-related hemoglobinopathy; it is associated with beta thalassemia and is classified as a beta-zero variant. Sources cited for classification include the following: PMID 21250876, 2987809 and 2123063. Classification of NM_000518.4(HBB):c.316-2A>G is based on the following criteria: The variant is located at a canonical splice site, is expected to disrupt gene function and is reported in individuals with the relevant phenotype. Please note: this variant was assessed in the context of healthy population screening.

Women's Health and Genetics/Laboratory Corporation of America, LabCorp
Classification: Pathogenic for beta Thalassemia. Last evaluated: 2018-09-18. Review status: criteria provided, single submitter. Criteria: LabCorp Variant Classification Summary - May 2015. Collection method: clinical testing. Allele origin: germline.
Comment: Variant summary: HBB c.316-2A>G is located in a canonical splice-site and is predicted to affect mRNA splicing resulting in a significantly altered protein due to either exon skipping, shortening, or inclusion of intronic material. Several computational tools predict a significant impact on normal splicing: Five predict the variant abolishes a 3 acceptor site. Two publications report experimental evidence that this variant affects mRNA splicing (Antonarakis_1984, Atweh_1985). The variant allele was found at a frequency of 1.1e-05 in 276762 control chromosomes (gnomAD). The variant, c.316-2A>G, has been reported in the literature in multiple individuals affected with Beta Thalassemia (Bravo-Urquiola_2012, Codrington_1990, Antonarakis_1984, Atweh_1985, Huisman_1997). These data indicate that the variant is very likely to be associated with disease. Six clinical diagnostic laboratories have submitted clinical-significance assessments for this variant to ClinVar after 2014 without evidence for independent evaluation. All laboratories classified the variant as pathogenic. Based on the evidence outlined above, the variant was classified as pathogenic.

Quest Diagnostics Nichols Institute San Juan Capistrano
Classification: Pathogenic. Last evaluated: 2017-06-30. Review status: criteria provided, single submitter. Criteria: Quest Diagnostics criteria. Collection method: clinical testing. Allele origin: germline.

Baylor Genetics
Classification: Pathogenic for Hb SS disease. Review status: criteria provided, single submitter. Criteria: ACMG Guidelines, 2015. Collection method: clinical testing. Allele origin: germline.

The ITHANET community portal, The Cyprus Institute of Neurology and Genetics
Classification: Pathogenic for beta Thalassemia. Last evaluated: 2019-11-25. Review status: no assertion criteria provided. Collection method: curation. Allele origin: germline. Not counted in ClinVar's aggregate classification.

OMIM
Classification: Pathogenic for BETA-ZERO-THALASSEMIA. Last evaluated: 1992-09-01. Review status: no assertion criteria provided. Collection method: literature only. Allele origin: germline. Not counted in ClinVar's aggregate classification.

Dr. Peter K. Rogan Lab, Western University
No classification provided (evidence only). Condition: Thymoma. Review status: no classification provided. Collection method: in vitro. Allele origin: not applicable. Functional consequence: retained intron. Not counted in ClinVar's aggregate classification.

GeneReviews
No classification provided. Condition: beta Thalassemia. Review status: no classification provided. Collection method: literature only. Allele origin: germline. Not counted in ClinVar's aggregate classification.

Literature cited by the submitters: PubMed 16020116 (cited by Natera, Inc.); PubMed 2123063 (cited by 4 submitters); PubMed 6583702 (cited by 4 submitters); PubMed 17576681 (cited by Labcorp Genetics (formerly Invitae), Labcorp); PubMed 9536098 (cited by Labcorp Genetics (formerly Invitae), Labcorp); PubMed 21250876 (cited by Myriad Genetics, Inc. and Quest Diagnostics Nichols Institute San Juan Capistrano); PubMed 2987809 (cited by 5 submitters); PubMed 22563936 (cited by Women's Health and Genetics/Laboratory Corporation of America, LabCorp and Quest Diagnostics Nichols Institute San Juan Capistrano); PubMed 9342003 (cited by Women's Health and Genetics/Laboratory Corporation of America, LabCorp); PubMed 22975760 (cited by Quest Diagnostics Nichols Institute San Juan Capistrano); PubMed 23348723 (cited by Quest Diagnostics Nichols Institute San Juan Capistrano); PubMed 27251090 (cited by Quest Diagnostics Nichols Institute San Juan Capistrano); PubMed 6583683 (cited by OMIM); PubMed 1427786 (cited by OMIM); NCBI Bookshelf NBK1426 (cited by GeneReviews).

NM_000518.5(HBB):c.316-2A>G

Genes: HBB (hemoglobin subunit beta; minus strand), LOC107133510 (origin of replication at HBB; plus strand), LOC110006319 (beta-globin gene 3' regulatory region; plus strand). Cytogenetic location: 11p15.4.
Variant type: single nucleotide variant.
Coding change: c.316-2A>G on transcript NM_000518.5 (MANE Select); the canonical splice acceptor site of the intron before coding-DNA position 316, A replaced by G.
Molecular consequence: splice acceptor variant.
Genome position (GRCh38, 1-based): chr11:5,225,728, T>C on the plus strand (A>G on the coding strand, the complement: HBB is on the minus strand). VCF-style: chr11-5225728-T-C. GRCh37 (hg19) VCF-style: chr11-5246958-T-C.
Other names: IVS11-849A>G; IVS II-849 (A>G); IVS2, A-G, -2.
Identifiers: ClinVar variation 21191 (VCV000021191.123), dbSNP rs33914668, ClinGen allele CA341711.